The following is an entry in ClinVar:

ClinVar aggregate classification (germline): Conflicting classifications of pathogenicity. Review status: criteria provided, conflicting classifications (1 of 4 stars). 2 submissions from 2 submitters: Likely pathogenic (1); Likely benign (1). Last evaluated 2025-12-16.

Conditions:
Familial cold autoinflammatory syndrome 2 (FCAS2). Identifiers: Orphanet 247868, MedGen C2673198, MONDO:0012724, OMIM 611762.
Childhood-onset schizophrenia. Also called: Childhood schizophrenia. Identifiers: Orphanet 641496, MedGen C0036346, MONDO:0957430.

Allele frequency attached by ClinVar (database versions not stated): TOPMed 0.00001.
gnomAD v4.1: 5 of 1,613,958 alleles (0.00031%); highest among the groups gnomAD compares: Non-Finnish European, 0.00042%; no homozygotes.

Submissions (2):

Labcorp Genetics (formerly Invitae), Labcorp
Classification: Likely benign for Familial cold autoinflammatory syndrome 2. Last evaluated: 2025-12-16. Review status: criteria provided, single submitter. Criteria: Invitae Variant Classification Sherloc (09022015). Collection method: clinical testing. Allele origin: germline.

Dr. Guy Rouleau's laboratory, McGill University
Classification: Likely pathogenic for Childhood Onset Schizophrenia. Last evaluated: 2014-01-01. Review status: criteria provided, single submitter. Criteria: Submitter's publication. Collection method: research. Allele origin: de novo. Affected: yes. Observed: 1 variant allele.
Comment: COS with Generalized Anxiety Disorder

Identified by next generation sequencing and validated by Sanger sequencing

NM_144687.4(NLRP12):c.858C>G (p.Pro286=)

Gene: NLRP12 (NLR family pyrin domain containing 12; minus strand). Cytogenetic location: 19q13.42.
Variant type: single nucleotide variant.
Coding change: c.858C>G on transcript NM_144687.4 (MANE Select); coding-DNA position 858, C replaced by G.
Protein change: p.Pro286=; no amino-acid change (proline 286 retained).
Molecular consequence: synonymous variant.
Genome position (GRCh38, 1-based): chr19:53,810,801, G>C on the plus strand (C>G on the coding strand, the complement: NLRP12 is on the minus strand). VCF-style: chr19-53810801-G-C. GRCh37 (hg19) VCF-style: chr19-54314055-G-C.
Other names: c.858C>G, p.Pro286= (NM_001277126.2, NM_001277129.1).
Identifiers: ClinVar variation 208384 (VCV000208384.9), dbSNP rs145171629, ClinGen allele CA210450.